The following is an entry in ClinVar:

NM_000310.4(PPT1):c.293C>T (p.Ala98Val)

Gene: PPT1 (palmitoyl-protein thioesterase 1; minus strand). Cytogenetic location: 1p34.2.
Variant type: single nucleotide variant.
Coding change: c.293C>T on transcript NM_000310.4 (MANE Select); coding-DNA position 293, C replaced by T.
Protein change: p.Ala98Val; replaces alanine 98 with valine.
Molecular consequence: missense variant. On other transcripts: intron variant (1).
Genome position (GRCh38, 1-based): chr1:40,092,114, G>A on the plus strand (C>T on the coding strand, the complement: PPT1 is on the minus strand). VCF-style: chr1-40092114-G-A. GRCh37 (hg19) VCF-style: chr1-40557786-G-A.
Other names: c.293C>T, p.Ala98Val (NM_001363695.2); c.125-2602C>T (NM_001142604.2); short protein forms A98V.
Identifiers: ClinVar variation 1487688 (VCV001487688.8), dbSNP rs768065632, ClinGen allele CA789752.
Genomic context (GRCh38, chr1:40,092,114, plus strand): 5'-CCTCCCTGGGAGAATCCCATAGCATTGTAGCCTTGCTGCAATTTAGGATCCTTAGCAAGT[G>A]CCTGACACACTGTTGTTACTTGGGAATTGACATTCAAGAAGAAGCTGTTCTCCACGTCCT-3'
Protein context (NP_000301.1, residues 88-108): VNSQVTTVCQ[Ala98Val]LAKDPKLQQG

ClinVar aggregate classification (germline): Uncertain significance (1 of 4 stars; one submission).

Conditions:
Neuronal ceroid lipofuscinosis 1 (CLN1). Also called: CEROID LIPOFUSCINOSIS, NEURONAL, 1, VARIABLE AGE AT ONSET; PPT1-Related Neuronal Ceroid-Lipofuscinosis. Identifiers: Orphanet 228329, MedGen C1850451, MONDO:0009744, OMIM 256730.

Allele frequency attached by ClinVar (database versions not stated): ExAC 0.00001.
gnomAD v4.1: 1 of 1,614,040 alleles (0.000062%); highest among the groups gnomAD compares: Non-Finnish European, 0.000085%; no homozygotes.

Submission:

Labcorp Genetics (formerly Invitae), Labcorp
Classification: Uncertain significance for Neuronal ceroid lipofuscinosis 1. Last evaluated: 2020-11-26. Review status: criteria provided, single submitter. Criteria: Invitae Variant Classification Sherloc (09022015). Collection method: clinical testing. Allele origin: germline.
Comment: This variant has not been reported in the literature in individuals with PPT1-related conditions. In summary, the available evidence is currently insufficient to determine the role of this variant in disease. Therefore, it has been classified as a Variant of Uncertain Significance. Algorithms developed to predict the effect of sequence changes on RNA splicing suggest that this variant may create or strengthen a splice site, but this prediction has not been confirmed by published transcriptional studies. Advanced modeling of protein sequence and biophysical properties (such as structural, functional, and spatial information, amino acid conservation, physicochemical variation, residue mobility, and thermodynamic stability) performed at Invitae indicates that this missense variant is not expected to disrupt PPT1 protein function. This variant is present in population databases (rs768065632, ExAC 0.001%). This sequence change replaces alanine with valine at codon 98 of the PPT1 protein (p.Ala98Val). The alanine residue is weakly conserved and there is a small physicochemical difference between alanine and valine.